The following is an entry in ClinVar:

ClinVar aggregate classification (germline): Uncertain significance. Review status: criteria provided, multiple submitters, no conflicts (2 of 4 stars). 2 submissions from 2 submitters: Uncertain significance (2). Last evaluated 2022-02-02.

Allele frequency attached by ClinVar (database versions not stated): gnomAD exomes below 0.00001; TOPMed below 0.00001.
gnomAD v4.1: 1 of 1,613,668 alleles (0.000062%); highest among the groups gnomAD compares: Non-Finnish European, 0.000085%; no homozygotes.

Submissions (2):

Labcorp Genetics (formerly Invitae), Labcorp
Classification: Uncertain significance. Last evaluated: 2022-02-02. Review status: criteria provided, single submitter. Criteria: Invitae Variant Classification Sherloc (09022015). Collection method: clinical testing. Allele origin: germline.
Comment: This sequence change replaces aspartic acid, which is acidic and polar, with glutamic acid, which is acidic and polar, at codon 58 of the PCDH15 protein (p.Asp58Glu). This variant is not present in population databases (gnomAD no frequency). This variant has not been reported in the literature in individuals affected with PCDH15-related conditions. ClinVar contains an entry for this variant (Variation ID: 1310996). Algorithms developed to predict the effect of missense changes on protein structure and function (SIFT, PolyPhen-2, Align-GVGD) all suggest that this variant is likely to be tolerated. In summary, the available evidence is currently insufficient to determine the role of this variant in disease. Therefore, it has been classified as a Variant of Uncertain Significance.

GeneDx
Classification: Uncertain significance. Last evaluated: 2019-12-30. Review status: criteria provided, single submitter. Criteria: GeneDx Variant Classification Process June 2021. Collection method: clinical testing. Allele origin: germline. Affected: yes.
Comment: Not observed in large population cohorts (Lek et al., 2016); In silico analysis, which includes protein predictors and evolutionary conservation, supports that this variant does not alter protein structure/function; Has not been previously published as pathogenic or benign to our knowledge

NM_001384140.1(PCDH15):c.174C>A (p.Asp58Glu)

Gene: PCDH15 (protocadherin related 15; minus strand). Cytogenetic location: 10q21.1.
Variant type: single nucleotide variant.
Coding change: c.174C>A on transcript NM_001384140.1 (MANE Select); coding-DNA position 174, C replaced by A.
Protein change: p.Asp58Glu; replaces aspartic acid 58 with glutamic acid.
Molecular consequence: missense variant.
Genome position (GRCh38, 1-based): chr10:54,378,926, G>T on the plus strand (C>A on the coding strand, the complement: PCDH15 is on the minus strand). VCF-style: chr10-54378926-G-T. GRCh37 (hg19) VCF-style: chr10-56138686-G-T.
Other names: c.189C>A, p.Asp63Glu (NM_001142763.2, NM_001142769.4, NM_001142771.2); c.174C>A, p.Asp58Glu (NM_001142764.2, NM_001142765.2, NM_001142766.2 and 8 more transcripts); c.108C>A, p.Asp36Glu (NM_001142768.2, NM_001142773.2, NM_001354404.2); short protein forms D36E, D58E, D63E.
Identifiers: ClinVar variation 1310996 (VCV001310996.6), dbSNP rs1169100269, ClinGen allele CA376540716.